The following is an entry in ClinVar:

ClinVar aggregate classification (germline): Uncertain significance (1 of 4 stars; one submission).

Submission:

GeneDx
Classification: Uncertain significance. Last evaluated: 2022-11-03. Review status: criteria provided, single submitter. Criteria: GeneDx Variant Classification Process June 2021. Collection method: clinical testing. Allele origin: germline. Affected: yes.
Comment: Not observed at significant frequency in large population cohorts (gnomAD); In silico analysis supports that this missense variant has a deleterious effect on protein structure/function; Has not been previously published as pathogenic or benign to our knowledge

NM_001145358.2(SIN3A):c.393C>G (p.Asp131Glu)

Gene: SIN3A (SIN3 transcription regulator family member A; minus strand). Cytogenetic location: 15q24.2.
Variant type: single nucleotide variant.
Coding change: c.393C>G on transcript NM_001145358.2 (MANE Select); coding-DNA position 393, C replaced by G.
Protein change: p.Asp131Glu; replaces aspartic acid 131 with glutamic acid.
Molecular consequence: missense variant.
Genome position (GRCh38, 1-based): chr15:75,414,285, G>C on the plus strand (C>G on the coding strand, the complement: SIN3A is on the minus strand). VCF-style: chr15-75414285-G-C. GRCh37 (hg19) VCF-style: chr15-75706626-G-C.
Other names: c.393C>G, p.Asp131Glu (NM_001145357.2, NM_015477.3); short protein forms D131E.
Identifiers: ClinVar variation 2501365 (VCV002501365.1), dbSNP rs2542707871, ClinGen allele CA393453933.